The following is an entry in ClinVar:

ClinVar aggregate classification (germline): Pathogenic/Likely pathogenic. Review status: criteria provided, multiple submitters, no conflicts (2 of 4 stars). 4 submissions from 4 submitters: Pathogenic (1); Likely pathogenic (2). 1 of the submissions does not count toward it. Last evaluated 2025-04-05.

Conditions:
GNE myopathy (NM). Also called: INCLUSION BODY MYOPATHY, HEREDITARY, AUTOSOMAL RECESSIVE; NONAKA DISTAL MYOPATHY; INCLUSION BODY MYOPATHY 2, AUTOSOMAL RECESSIVE; MYOPATHY, DISTAL, WITH OR WITHOUT RIMMED VACUOLES; IBM 2; Inclusion body myopathy autosomal recessive. Identifiers: Orphanet 602, MedGen C1853926, MONDO:0011603, OMIM 605820.
Sialuria. Also called: SIALURIA, FRENCH TYPE; Sialic Acid Storage Disease. Identifiers: Orphanet 3166, MedGen C0342853, MONDO:0010028, OMIM 269921.

Allele frequency attached by ClinVar (database versions not stated): gnomAD exomes below 0.00001.
gnomAD v4.1: 1 of 1,613,094 alleles (0.000062%); highest among the groups gnomAD compares: Non-Finnish European, 0.000085%; no homozygotes.

Submissions (4):

Natera, Inc.
Classification: Likely pathogenic for Nonaka myopathy. Last evaluated: 2025-04-05. Review status: criteria provided, single submitter. Criteria: Natera Variant Classification Schema (03/2026). Collection method: clinical testing. Allele origin: germline.
Comment: The c.88C>T variant in GNE is a nonsense variant predicted to introduce a stop codon at amino acid 30. This variant is expected to result in nonsense mediated decay, truncation, or a dysfunctional protein product. This variant is rare in the general population with a frequency below the threshold expected for the associated phenotype(s). Given the available evidence, this variant is classified as Likely Pathogenic.

Baylor Genetics
Classification: Likely pathogenic for GNE myopathy. Last evaluated: 2023-11-14. Review status: criteria provided, single submitter. Criteria: ACMG Guidelines, 2015. Collection method: clinical testing. Allele origin: unknown.

Labcorp Genetics (formerly Invitae), Labcorp
Classification: Pathogenic for Sialuria; GNE myopathy. Last evaluated: 2021-02-18. Review status: criteria provided, single submitter. Criteria: Invitae Variant Classification Sherloc (09022015). Collection method: clinical testing. Allele origin: germline.
Comment: Algorithms developed to predict the effect of sequence changes on RNA splicing suggest that this variant may create or strengthen a splice site, but this prediction has not been confirmed by published transcriptional studies. For these reasons, this variant has been classified as Pathogenic. This sequence change creates a premature translational stop signal (p.Gln30*) in the GNE gene. It is expected to result in an absent or disrupted protein product. Loss-of-function variants in GNE are known to be pathogenic (PMID: 24027297). This variant is not present in population databases (ExAC no frequency). This variant has not been reported in the literature in individuals with GNE-related conditions. ClinVar contains an entry for this variant (Variation ID: 555637).

Counsyl
Classification: Likely pathogenic for GNE myopathy. Last evaluated: 2017-12-14. Review status: no assertion criteria provided. Collection method: clinical testing. Allele origin: unknown. Not counted in ClinVar's aggregate classification.

Literature cited by the submitters: PubMed 24027297 (cited by Labcorp Genetics (formerly Invitae), Labcorp).

NM_001128227.3(GNE):c.88C>T (p.Gln30Ter)

Gene: GNE (glucosamine (UDP-N-acetyl)-2-epimerase/N-acetylmannosamine kinase; minus strand). Cytogenetic location: 9p13.3.
Variant type: single nucleotide variant.
Coding change: c.88C>T on transcript NM_001128227.3 (MANE Plus Clinical); coding-DNA position 88, C replaced by T.
Protein change: p.Gln30Ter; replaces glutamine 30 with a stop codon.
Molecular consequence: nonsense. On other transcripts: 5 prime UTR variant (3), intron variant (3).
Genome position (GRCh38, 1-based): chr9:36,249,361, G>A on the plus strand (C>T on the coding strand, the complement: GNE is on the minus strand). VCF-style: chr9-36249361-G-A. GRCh37 (hg19) VCF-style: chr9-36249358-G-A.
Other names: c.-6C>T (NM_001190383.3, NM_001374797.1, NM_005476.7); c.-13-2879C>T (NM_001190388.2, NM_001190384.3, NM_001374798.1); short protein forms Q30*.
Identifiers: ClinVar variation 555637 (VCV000555637.9), dbSNP rs1554664090, ClinGen allele CA373422305.